The following is an entry in ClinVar:

ClinVar aggregate classification (germline): Uncertain significance (1 of 4 stars; one submission).

Conditions:
FAAH2-related disorder. Also called: FAAH2-related condition.

Allele frequency attached by ClinVar (database versions not stated): gnomAD exomes below 0.00001; gnomAD 0.00001.
gnomAD v4.1: 3 of 1,200,307 alleles (0.00025%); highest among the groups gnomAD compares: South Asian, 0.0056%; no homozygotes.

Submission:

PreventionGenetics, part of Exact Sciences
Classification: Uncertain significance for FAAH2-related condition. Last evaluated: 2023-07-17. Review status: criteria provided, single submitter. Criteria: ACMG Guidelines, 2015. Collection method: clinical testing. Allele origin: germline.
Comment: The FAAH2 c.926G>A variant is predicted to result in premature protein termination (p.Trp309*). To our knowledge, this variant has not been reported in the literature or in a large population database, indicating this variant is rare. Loss-of-function has not been established as a disease mechanism for this gene, and therefore the clinical significance of this variant is currently uncertain due to the absence of conclusive functional and genetic evidence.

NM_174912.4(FAAH2):c.926G>A (p.Trp309Ter)

Gene: FAAH2 (fatty acid amide hydrolase 2; plus strand). Cytogenetic location: Xp11.21.
Variant type: single nucleotide variant.
Coding change: c.926G>A on transcript NM_174912.4 (MANE Select); coding-DNA position 926, G replaced by A.
Protein change: p.Trp309Ter; replaces tryptophan 309 with a stop codon.
Molecular consequence: nonsense. On other transcripts: non-coding transcript variant (2).
Genome position (GRCh38, 1-based): chrX:57,380,959, G>A. VCF-style: chrX-57380959-G-A. GRCh37 (hg19) VCF-style: chrX-57407392-G-A.
Other names: c.926G>A, p.Trp309Ter (NM_001353840.1); c.716G>A, p.Trp239Ter (NM_001353841.1); short protein forms W239*, W309*.
Identifiers: ClinVar variation 2633216 (VCV002633216.1), dbSNP rs1351914209, ClinGen allele CA413389137.